The following is an entry in ClinVar:

ClinVar aggregate classification (germline): Likely benign (1 of 4 stars; one submission).

Conditions:
NCOA1-related disorder. Also called: NCOA1-related condition.

gnomAD v4.1: 5 of 1,610,036 alleles (0.00031%); highest among the groups gnomAD compares: Middle Eastern, 0.016%; no homozygotes.

Submission:

PreventionGenetics, part of Exact Sciences
Classification: Likely benign for NCOA1-related condition. Last evaluated: 2025-01-31. Review status: criteria provided, single submitter. Criteria: ACMG Guidelines, 2015. Collection method: clinical testing. Allele origin: germline.
Comment: This variant is classified as likely benign based on ACMG/AMP sequence variant interpretation guidelines (Richards et al. 2015 PMID: 25741868, with internal and published modifications).

NM_003743.5(NCOA1):c.447G>A (p.Glu149=)

Gene: NCOA1 (nuclear receptor coactivator 1; plus strand). Cytogenetic location: 2p23.3.
Variant type: single nucleotide variant.
Coding change: c.447G>A on transcript NM_003743.5 (MANE Select); coding-DNA position 447, G replaced by A.
Protein change: p.Glu149=; no amino-acid change (glutamic acid 149 retained).
Molecular consequence: synonymous variant.
Genome position (GRCh38, 1-based): chr2:24,683,043, G>A. VCF-style: chr2-24683043-G-A. GRCh37 (hg19) VCF-style: chr2-24905912-G-A.
Other names: c.447G>A, p.Glu149= (NM_147223.3, NM_147233.2, NM_001362950.1 and 3 more transcripts).
Identifiers: ClinVar variation 4980957 (VCV004980957.1).